The following is an entry in ClinVar:

ClinVar aggregate classification (germline): Uncertain significance. Review status: criteria provided, multiple submitters, no conflicts (2 of 4 stars). 3 submissions from 3 submitters: Uncertain significance (2). 1 of the submissions does not count toward it. Last evaluated 2025-08-14.

Conditions:
Breast-ovarian cancer, familial, susceptibility to, 2 (BROVCA2). Also called: BRCA2 Hereditary Breast and Ovarian Cancer. Identifiers: Orphanet 145, MedGen C2675520, MONDO:0012933, OMIM 612555. Disease mechanism: loss of function.

Submissions (3):

GeneDx
Classification: Uncertain significance. Last evaluated: 2025-08-14. Review status: criteria provided, single submitter. Criteria: GeneDx Variant Classification Process June 2021. Collection method: clinical testing. Allele origin: germline. Affected: yes.
Comment: Not observed at significant frequency in large population cohorts (gnomAD); Has not been previously published as pathogenic or benign to our knowledge; In silico analysis is inconclusive as to whether the variant alters gene splicing. In the absence of RNA/functional studies, the actual effect of this sequence change is unknown.; Also known as 702A>G; This variant is associated with the following publications: (PMID: 27535533)

Molecular Endocrinology Laboratory, Christian Medical College
Classification: Uncertain significance for Breast-ovarian cancer, familial, susceptibility to, 2. Review status: criteria provided, single submitter. Criteria: ACMG Guidelines, 2015. Collection method: clinical testing. Allele origin: germline. Affected: yes.

MVZ Praenatalmedizin und Genetik Nuernberg
Classification: Uncertain significance for Breast-ovarian cancer, familial, susceptibility to, 2. Last evaluated: 2016-11-01. Review status: no assertion criteria provided. Collection method: clinical testing. Allele origin: unknown. Affected: yes. Observed: 1 variant allele, 1 heterozygote. Not counted in ClinVar's aggregate classification.

NM_000059.4(BRCA2):c.474A>G (p.Ser158=)

Gene: BRCA2 (BRCA2 DNA repair associated; plus strand). Cytogenetic location: 13q13.1.
Variant type: single nucleotide variant.
Coding change: c.474A>G on transcript NM_000059.4 (MANE Select); coding-DNA position 474, A replaced by G.
Protein change: p.Ser158=; no amino-acid change (serine 158 retained).
Molecular consequence: synonymous variant.
Genome position (GRCh38, 1-based): chr13:32,326,149, A>G. VCF-style: chr13-32326149-A-G. GRCh37 (hg19) VCF-style: chr13-32900286-A-G.
Identifiers: ClinVar variation 279600 (VCV000279600.4), dbSNP rs886041101, ClinGen allele CA10602719.
Genomic context (GRCh38, chr13:32,326,149, plus strand): 5'-GTTTTATTTTAGTCCTGTTGTTCTACAATGTACACATGTAACACCACAAAGAGATAAGTC[A>G]GGTATGATTAAAAACAATGCTTTTTATTCTTAGAATACTAGAAATGTTAATAAAAATAAA-3'
Protein context (NP_000050.3, residues 148-168): CTHVTPQRDK[Ser158=]VVCGSLFHTP